The following is an entry in ClinVar:

NM_032977.4(CASP10):c.868A>T (p.Asn290Tyr)

Gene: CASP10 (caspase 10; plus strand). Cytogenetic location: 2q33.1.
Variant type: single nucleotide variant.
Coding change: c.868A>T on transcript NM_032977.4 (MANE Select); coding-DNA position 868, A replaced by T.
Protein change: p.Asn290Tyr; replaces asparagine 290 with tyrosine.
Molecular consequence: missense variant. On other transcripts: intron variant (1).
Genome position (GRCh38, 1-based): chr2:201,208,129, A>T. VCF-style: chr2-201208129-A-T. GRCh37 (hg19) VCF-style: chr2-202072852-A-T.
Other names: c.739A>T, p.Asn247Tyr (NM_001206542.2, NM_001230.5); c.868A>T, p.Asn290Tyr (NM_032974.5); c.776A>T, p.Gln259Leu (NM_032976.4); c.722-941A>T (NM_001206524.2); short protein forms N247Y, N290Y, Q259L.
Identifiers: ClinVar variation 3752717 (VCV003752717.2).

ClinVar aggregate classification (germline): Uncertain significance (1 of 4 stars; one submission).

Conditions:
Autoimmune lymphoproliferative syndrome type 2A (ALPS2A). Also called: CASP10-Related Autoimmune Lymphoproliferative Syndrome; AUTOIMMUNE LYMPHOPROLIFERATIVE SYNDROME, TYPE IIA; Autoimmune lymphoproliferative syndrome type 2. Identifiers: Orphanet 3261, MedGen C1858968, MONDO:0011383, OMIM 603909.

gnomAD v4.1: 4 of 1,614,106 alleles (0.00025%); highest among the groups gnomAD compares: Non-Finnish European, 0.00034%; no homozygotes.

Submission:

Labcorp Genetics (formerly Invitae), Labcorp
Classification: Uncertain significance for Autoimmune lymphoproliferative syndrome type 2A. Last evaluated: 2024-05-02. Review status: criteria provided, single submitter. Criteria: Invitae Variant Classification Sherloc (09022015). Collection method: clinical testing. Allele origin: germline.
Comment: This sequence change replaces asparagine, which is neutral and polar, with tyrosine, which is neutral and polar, at codon 290 of the CASP10 protein (p.Asn290Tyr). This variant is not present in population databases (gnomAD no frequency). This variant has not been reported in the literature in individuals affected with CASP10-related conditions. Advanced modeling of protein sequence and biophysical properties (such as structural, functional, and spatial information, amino acid conservation, physicochemical variation, residue mobility, and thermodynamic stability) performed at Invitae indicates that this missense variant is expected to disrupt CASP10 protein function with a positive predictive value of 80%. In summary, the available evidence is currently insufficient to determine the role of this variant in disease. Therefore, it has been classified as a Variant of Uncertain Significance.